The following is an entry in ClinVar:

ClinVar aggregate classification (germline): Likely pathogenic (1 of 4 stars; one submission).

gnomAD v4.1: 3 of 1,562,358 alleles (0.00019%); highest among the groups gnomAD compares: Non-Finnish European, 0.00026%; no homozygotes.

Submission:

Labcorp Genetics (formerly Invitae), Labcorp
Classification: Likely pathogenic. Last evaluated: 2025-09-29. Review status: criteria provided, single submitter. Criteria: Invitae Variant Classification Sherloc (09022015). Collection method: clinical testing. Allele origin: germline.
Comment: This sequence change affects an acceptor splice site in intron 26 of the MYO18B gene. It is expected to disrupt RNA splicing. Variants that disrupt the donor or acceptor splice site typically lead to a loss of protein function (PMID: 16199547), and loss-of-function variants in MYO18B are known to be pathogenic (PMID: 25748484, 32184166, 32637634). This variant is not present in population databases (gnomAD no frequency). This variant has not been reported in the literature in individuals affected with MYO18B-related conditions. Algorithms developed to predict the effect of sequence changes on RNA splicing suggest that this variant may disrupt the consensus splice site. In summary, the currently available evidence indicates that the variant is pathogenic, but additional data are needed to prove that conclusively. Therefore, this variant has been classified as Likely Pathogenic.

Literature cited by the submitters: PubMed 16199547; PubMed 25748484; PubMed 32184166; PubMed 32637634.

NM_032608.7(MYO18B):c.4435-1G>A

Genes: MYO18B (myosin XVIIIB; plus strand), MYO18B-AS1 (MYO18B antisense RNA 1; minus strand). Cytogenetic location: 22q12.1.
Variant type: single nucleotide variant.
Coding change: c.4435-1G>A on transcript NM_032608.7 (MANE Select); the canonical splice acceptor site of the intron before coding-DNA position 4435, G replaced by A.
Molecular consequence: splice acceptor variant.
Genome position (GRCh38, 1-based): chr22:25,891,303, G>A. VCF-style: chr22-25891303-G-A. GRCh37 (hg19) VCF-style: chr22-26287270-G-A.
Other names: c.4438-1G>A (NM_001318245.2).
Identifiers: ClinVar variation 4781511 (VCV004781511.1).